The following is an entry in ClinVar:

ClinVar aggregate classification (germline): Pathogenic. Review status: criteria provided, multiple submitters, no conflicts (2 of 4 stars). 4 submissions from 4 submitters: Pathogenic (3). 1 of the submissions does not count toward it. Last evaluated 2020-10-23.

Conditions:
Hereditary spastic paraplegia 11. Also called: SPASTIC PARAPLEGIA, AUTOSOMAL RECESSIVE, COMPLICATED, WITH THIN CORPUS CALLOSUM; SPASTIC PARAPLEGIA, AUTOSOMAL RECESSIVE, WITH MENTAL IMPAIRMENT AND THIN CORPUS CALLOSUM; Spastic paraplegia, mental retardation and thin corpus callosum; Spastic Paraplegia 11; Nakamura Osame syndrome; Autosomal recessive hereditary spastic paraplegia, mental impairment, and thin corpus callosum. Identifiers: Orphanet 2822, MedGen C1858479, MONDO:0011445, OMIM 604360.

Submissions (4):

Institute of Medical Genetics and Applied Genomics, University Hospital Tübingen
Classification: Pathogenic. Last evaluated: 2020-10-23. Review status: criteria provided, single submitter. Criteria: ACMG Guidelines, 2015. Collection method: clinical testing. Allele origin: germline. Inheritance: Unknown mechanism. Affected: yes.

Genome-Nilou Lab
Classification: Pathogenic for Hereditary spastic paraplegia 11. Review status: criteria provided, single submitter. Criteria: ACMG Guidelines, 2015. Collection method: clinical testing. Allele origin: germline.

Paris Brain Institute, Inserm - ICM
Classification: Pathogenic for Hereditary spastic paraplegia 11. Review status: criteria provided, single submitter. Criteria: ACMG Guidelines, 2015. Collection method: clinical testing. Allele origin: unknown. Affected: yes. Observed: 2 variant alleles.

GeneReviews
Classification: Pathogenic for Spastic Paraplegia 11. Last evaluated: 2013-01-31. Review status: no assertion criteria provided. Collection method: curation. Allele origin: unknown. Not counted in ClinVar's aggregate classification.
ClinVar note: Converted during submission from pathologic to Pathogenic.

NM_025137.4(SPG11):c.1837_1838insA (p.Leu613fs)

Gene: SPG11 (SPG11 vesicle trafficking associated, spatacsin; minus strand). Cytogenetic location: 15q21.1.
Variant type: Insertion.
Coding change: c.1837_1838insA on transcript NM_025137.4 (MANE Select); coding-DNA positions 1837 to 1838, A inserted.
Protein change: p.Leu613fs; shifts the reading frame from leucine 613.
Molecular consequence: frameshift variant.
Genome position: GRCh38 VCF-style: chr15-44629286-A-AT. GRCh37 (hg19) VCF-style: chr15-44921484-A-AT.
Other names: c.1837_1838insA, p.Leu613fs (NM_001160227.2); short protein forms L613fs.
Identifiers: ClinVar variation 41282 (VCV000041282.7), dbSNP rs312262735, ClinGen allele CA344308.
Genomic context (GRCh38, chr15:44,629,286, plus strand): 5'-TTCTTACCTTCAGTGTGAATGAAAAGCTCCTTTATTTGGTTGTTAAGGAAAGACAGTGTA[A>AT]GATTAAGCAATTGTTCTGAAAAGTGTTTGCTTTGGGGTTCAGAATAACTTTCTCTAATTG-3'